The following is an entry in ClinVar:

NM_000975.5(RPL11):c.454G>A (p.Gly152Arg)

Gene: RPL11 (ribosomal protein L11; plus strand). Cytogenetic location: 1p36.11.
Variant type: single nucleotide variant.
Coding change: c.454G>A on transcript NM_000975.5 (MANE Select); coding-DNA position 454, G replaced by A.
Protein change: p.Gly152Arg; replaces glycine 152 with arginine.
Molecular consequence: missense variant.
Genome position (GRCh38, 1-based): chr1:23,695,855, G>A. VCF-style: chr1-23695855-G-A. GRCh37 (hg19) VCF-style: chr1-24022345-G-A.
Other names: c.451G>A, p.Gly151Arg (NM_001199802.1); short protein forms G152R, G151R.
Identifiers: ClinVar variation 937576 (VCV000937576.10), dbSNP rs766991539, ClinGen allele CA684297.

ClinVar aggregate classification (germline): Uncertain significance (1 of 4 stars; one submission).

Conditions:
Diamond-Blackfan anemia. Also called: Blackfan Diamond syndrome; Aregenerative anemia chronic congenital; Red cell aplasia, pure hereditary; Congenital hypoplastic anemia; Aase syndrome. Identifiers: Orphanet 124, MedGen C1260899, MeSH D029503, MONDO:0015253, HP:0004810.

Allele frequency attached by ClinVar (database versions not stated): gnomAD 0.00001; TOPMed 0.00001; ExAC 0.00002; gnomAD exomes 0.00003.
gnomAD v4.1: 17 of 1,600,608 alleles (0.0011%); highest among the groups gnomAD compares: Non-Finnish European, 0.00026%; no homozygotes.

Submission:

Labcorp Genetics (formerly Invitae), Labcorp
Classification: Uncertain significance for Diamond-Blackfan anemia. Last evaluated: 2024-10-15. Review status: criteria provided, single submitter. Criteria: Invitae Variant Classification Sherloc (09022015). Collection method: clinical testing. Allele origin: germline.
Comment: This sequence change replaces glycine, which is neutral and non-polar, with arginine, which is basic and polar, at codon 152 of the RPL11 protein (p.Gly152Arg). This variant is present in population databases (rs766991539, gnomAD 0.06%). This variant has not been reported in the literature in individuals affected with RPL11-related conditions. ClinVar contains an entry for this variant (Variation ID: 937576). An algorithm developed to predict the effect of missense changes on protein structure and function (PolyPhen-2) suggests that this variant is likely to be disruptive. Algorithms developed to predict the effect of sequence changes on RNA splicing suggest that this variant may disrupt the consensus splice site. In summary, the available evidence is currently insufficient to determine the role of this variant in disease. Therefore, it has been classified as a Variant of Uncertain Significance.